The following is an entry in ClinVar:

NM_001134363.3(RBM20):c.3217G>A (p.Glu1073Lys)

Gene: RBM20 (RNA binding motif protein 20; plus strand). Cytogenetic location: 10q25.2.
Variant type: single nucleotide variant.
Coding change: c.3217G>A on transcript NM_001134363.3 (MANE Select); coding-DNA position 3217, G replaced by A.
Protein change: p.Glu1073Lys; replaces glutamic acid 1073 with lysine.
Molecular consequence: missense variant.
Genome position (GRCh38, 1-based): chr10:110,821,836, G>A. VCF-style: chr10-110821836-G-A. GRCh37 (hg19) VCF-style: chr10-112581594-G-A.
Other names: short protein forms E1073K.
Identifiers: ClinVar variation 1023169 (VCV001023169.17), dbSNP rs770328474, ClinGen allele CA5688740.

ClinVar aggregate classification (germline): Conflicting classifications of pathogenicity. Review status: criteria provided, conflicting classifications (1 of 4 stars). 6 submissions from 6 submitters: Uncertain significance (4); Benign (1); Likely benign (1). Last evaluated 2025-02-17.

Conditions:
Cardiovascular phenotype. Identifiers: MedGen CN230736.
Dilated cardiomyopathy 1DD (CMD1DD). Identifiers: Orphanet 154, MedGen C2750995, MONDO:0013168, OMIM 613172.

Allele frequency attached by ClinVar (database versions not stated): gnomAD exomes 0.00002 and 0.00008; TOPMed 0.00004; ExAC 0.00005; gnomAD 0.00005.
gnomAD v4.1: 41 of 1,551,612 alleles (0.0026%); highest among the groups gnomAD compares: Middle Eastern, 0.033%; no homozygotes.

Submissions (6):

Dasa
Classification: Uncertain significance. Last evaluated: 2025-02-17. Review status: criteria provided, single submitter. Criteria: DASA Assertion Criteria. Collection method: clinical testing. Allele origin: germline.
Comment: NM_001134363.3(RBM20):c.3217G>A (p.Glu1073Lys) is a missense variant that results in the substitution of glutamic acid with lysine. This variant is rare in population databases. Computational prediction algorithms are consistent with a benign effect. The currently available literature and clinical evidence are not sufficient to establish a definitive association between this variant and the reported condition. Therefore, this variant is classified as a variant of uncertain significance.

Ambry Genetics
Classification: Uncertain significance for Cardiovascular phenotype. Last evaluated: 2025-02-07. Review status: criteria provided, single submitter. Criteria: Ambry Variant Classification Scheme 2023. Collection method: clinical testing. Allele origin: germline.
Comment: The p.E1073K variant (also known as c.3217G>A), located in coding exon 11 of the RBM20 gene, results from a G to A substitution at nucleotide position 3217. The glutamic acid at codon 1073 is replaced by lysine, an amino acid with similar properties. This amino acid position is not well conserved in available vertebrate species. In addition, this alteration is predicted to be tolerated by in silico analysis. Based on the available evidence, the clinical significance of this variant remains unclear.

Blueprint Genetics
Classification: Likely benign. Last evaluated: 2024-09-20. Review status: criteria provided, single submitter. Criteria: ACMG Guidelines, 2015. Collection method: clinical testing. Allele origin: germline.

Labcorp Genetics (formerly Invitae), Labcorp
Classification: Benign for Dilated cardiomyopathy 1DD. Last evaluated: 2024-09-17. Review status: criteria provided, single submitter. Criteria: Invitae Variant Classification Sherloc (09022015). Collection method: clinical testing. Allele origin: germline.

Fulgent Genetics
Classification: Uncertain significance for Dilated cardiomyopathy 1DD. Last evaluated: 2021-10-01. Review status: criteria provided, single submitter. Criteria: ACMG Guidelines, 2015. Collection method: clinical testing. Allele origin: unknown.

Breakthrough Genomics
Classification: Uncertain significance. Review status: criteria provided, single submitter. Criteria: ACMG Guidelines, 2015. Collection method: not provided. Allele origin: germline. Inheritance: Autosomal dominant inheritance. Affected: yes.